The following is an entry in ClinVar:

ClinVar aggregate classification (germline): Conflicting classifications of pathogenicity. Review status: criteria provided, conflicting classifications (1 of 4 stars). 3 submissions from 3 submitters: Uncertain significance (1); Benign (1); Likely benign (1). Last evaluated 2026-04-15.

Conditions:
Ehlers-Danlos syndrome, classic type, 1 (EDSCL1). Also called: Ehlers-Danlos Syndrome, Classic Type, COL5A1-Related; EHLERS-DANLOS SYNDROME, GRAVIS TYPE; EHLERS-DANLOS SYNDROME, SEVERE CLASSIC TYPE; Ehlers-Danlos syndrome, type 1; EDS I. Identifiers: MedGen C0268335, MONDO:0019567, OMIM 130000.
Familial thoracic aortic aneurysm and aortic dissection (TAAD). Also called: Thoracic aortic aneurysms and dissections. Identifiers: Orphanet 91387, MedGen C4707243, MONDO:0019625.

Allele frequency attached by ClinVar (database versions not stated): gnomAD exomes 0.00001 and 0.00002; TOPMed below 0.00001; ExAC 0.00001.
gnomAD v4.1: 35 of 1,614,002 alleles (0.0022%); highest among the groups gnomAD compares: Non-Finnish European, 0.0025%; no homozygotes.

Submissions (3):

Women's Health and Genetics/Laboratory Corporation of America, LabCorp
Classification: Likely benign. Last evaluated: 2026-04-15. Review status: criteria provided, single submitter. Criteria: LabCorp Variant Classification Summary - May 2015. Collection method: clinical testing. Allele origin: germline.
Comment: Variant summary: COL5A1 c.295G>T (p.Asp99Tyr) results in a non-conservative amino acid change in the encoded protein sequence. Algorithms developed to predict the effect of missense changes on protein structure and function are either unavailable or do not agree on the potential impact of this missense change. The variant allele was found at a frequency of 8e-06 in 251224 control chromosomes in the gnomAD v2 database. The available data on variant occurrences in the general population are insufficient to allow any conclusion about variant significance. However, a total of 35 heterozygotes of this variant were reported in the gnomAD v4 database. To our knowledge, no occurrence of c.295G>T in individuals affected with COL5A1-related conditions and no experimental evidence demonstrating its impact on protein function have been reported. ClinVar contains an entry for this variant (Variation ID: 263968). Based on the evidence outlined above, the variant was classified as likely benign.

Labcorp Genetics (formerly Invitae), Labcorp
Classification: Benign for Ehlers-Danlos syndrome, classic type, 1. Last evaluated: 2025-05-19. Review status: criteria provided, single submitter. Criteria: Invitae Variant Classification Sherloc (09022015). Collection method: clinical testing. Allele origin: germline.

Ambry Genetics
Classification: Uncertain significance for Familial thoracic aortic aneurysm and aortic dissection. Last evaluated: 2015-04-10. Review status: criteria provided, single submitter. Criteria: Ambry Variant Classification Scheme 2023. Collection method: clinical testing. Allele origin: germline.
Comment: The p.D99Y variant (also known as c.295G>T), located in coding exon 3 of the COL5A1 gene, results from a G to T substitution at nucleotide position 295. The aspartic acid at codon 99 is replaced by tyrosine, an amino acid with highly dissimilar properties. This variant was not reported in population based cohorts in the following databases: Database of Single Nucleotide Polymorphisms (dbSNP), NHLBI Exome Sequencing Project (ESP), and 1000 Genomes Project. In the ESP, this variant was not observed in 6503 samples (13006 alleles) with coverage at this position. This amino acid position is highly conserved in available vertebrate species. In addition, the in silico prediction for this alteration is inconclusive. Since supporting evidence is limited at this time, the clinical significance of this variant remains unclear.

NM_000093.5(COL5A1):c.295G>T (p.Asp99Tyr)

Gene: COL5A1 (collagen type V alpha 1 chain; plus strand). Cytogenetic location: 9q34.3.
Variant type: single nucleotide variant.
Coding change: c.295G>T on transcript NM_000093.5 (MANE Select); coding-DNA position 295, G replaced by T.
Protein change: p.Asp99Tyr; replaces aspartic acid 99 with tyrosine.
Molecular consequence: missense variant.
Genome position (GRCh38, 1-based): chr9:134,699,926, G>T. VCF-style: chr9-134699926-G-T. GRCh37 (hg19) VCF-style: chr9-137591772-G-T.
Other names: c.295G>T, p.Asp99Tyr (NM_001278074.1); short protein forms D99Y.
Identifiers: ClinVar variation 263968 (VCV000263968.14), dbSNP rs774095835, ClinGen allele CA5318276.